The following is an entry in ClinVar:

NM_032581.4(HYCC1):c.766G>C (p.Ala256Pro)

Gene: HYCC1 (hyccin PI4KA lipid kinase complex subunit 1; minus strand). Cytogenetic location: 7p15.3.
Variant type: single nucleotide variant.
Coding change: c.766G>C on transcript NM_032581.4 (MANE Select); coding-DNA position 766, G replaced by C.
Protein change: p.Ala256Pro; replaces alanine 256 with proline.
Molecular consequence: missense variant.
Genome position (GRCh38, 1-based): chr7:22,961,300, C>G on the plus strand (G>C on the coding strand, the complement: HYCC1 is on the minus strand). VCF-style: chr7-22961300-C-G. GRCh37 (hg19) VCF-style: chr7-23000919-C-G.
Other names: c.766G>C, p.Ala256Pro (NM_001363466.2, NM_001363467.2); short protein forms A256P.
Identifiers: ClinVar variation 359778 (VCV000359778.45), dbSNP rs142984808, ClinGen allele CA4185914.
Genomic context (GRCh38, chr7:22,961,300, plus strand): 5'-ATGGCTCTGGATATAATTCTAGCTGGGCTCTGTATATAATATCATCCAGTGCTTTTTGAG[C>G]TAGATCCCATTCTCCATTATAACTATAAAATTAGATGAATTAAATGAAGAAATTATAATT-3'
Protein context (NP_115970.2, residues 246-266): FAFYNGEWDL[Ala256Pro]QKALDDIIYR

ClinVar aggregate classification (germline): Uncertain significance. Review status: criteria provided, multiple submitters, no conflicts (2 of 4 stars). 9 submissions from 9 submitters: Uncertain significance (7). 2 of the submissions do not count toward it. Last evaluated 2025-08-01.

Conditions:
HYCC1-related disorder. Also called: HYCC1-related condition.
Hypomyelination and Congenital Cataract (HLD5). Also called: hypomyelinating leukodystrophy 5. Identifiers: Orphanet 85163, MedGen C1864663, MONDO:0012514, OMIM 610532.

Allele frequency attached by ClinVar (database versions not stated): gnomAD 0.00070 and 0.00068; gnomAD exomes 0.00071; ExAC 0.00084; ESP Exome Variant Server 0.00108; TOPMed 0.00069.
gnomAD v4.1: 1,407 of 1,597,346 alleles (0.088%); highest among the groups gnomAD compares: Non-Finnish European, 0.12%; no homozygotes.

Submissions (9):

Mayo Clinic Laboratories, Mayo Clinic
Classification: Uncertain significance. Last evaluated: 2025-08-01. Review status: criteria provided, single submitter. Criteria: ACMG Guidelines, 2015. Collection method: clinical testing. Allele origin: germline. Observed: 5 variant alleles.
Comment: BS1, PP3_moderate

Blueprint Genetics
Classification: Uncertain significance. Last evaluated: 2024-10-17. Review status: criteria provided, single submitter. Criteria: ACMG Guidelines, 2015. Collection method: clinical testing. Allele origin: germline.

Labcorp Genetics (formerly Invitae), Labcorp
Classification: Uncertain significance for Hypomyelination and Congenital Cataract. Last evaluated: 2022-08-10. Review status: criteria provided, single submitter. Criteria: Invitae Variant Classification Sherloc (09022015). Collection method: clinical testing. Allele origin: germline.
Comment: This sequence change replaces alanine, which is neutral and non-polar, with proline, which is neutral and non-polar, at codon 256 of the FAM126A protein (p.Ala256Pro). This variant is present in population databases (rs142984808, gnomAD 0.1%), and has an allele count higher than expected for a pathogenic variant. This variant has not been reported in the literature in individuals affected with FAM126A-related conditions. ClinVar contains an entry for this variant (Variation ID: 359778). Algorithms developed to predict the effect of missense changes on protein structure and function are either unavailable or do not agree on the potential impact of this missense change (SIFT: "Deleterious"; PolyPhen-2: "Probably Damaging"; Align-GVGD: "Class C0"). In summary, the available evidence is currently insufficient to determine the role of this variant in disease. Therefore, it has been classified as a Variant of Uncertain Significance.

CeGaT Center for Human Genetics Tuebingen
Classification: Uncertain significance. Last evaluated: 2022-08-01. Review status: criteria provided, single submitter. Criteria: CeGaT Center For Human Genetics Tuebingen Variant Classification Criteria Version 2. Collection method: clinical testing. Allele origin: germline. Affected: yes. Observed: 1 variant allele.

Fulgent Genetics
Classification: Uncertain significance for Hypomyelination and Congenital Cataract. Last evaluated: 2021-12-22. Review status: criteria provided, single submitter. Criteria: ACMG Guidelines, 2015. Collection method: clinical testing. Allele origin: unknown.

GeneDx
Classification: Uncertain significance. Last evaluated: 2019-04-18. Review status: criteria provided, single submitter. Criteria: GeneDx Variant Classification Process June 2021. Collection method: clinical testing. Allele origin: germline. Affected: yes.
Comment: In silico analysis, which includes protein predictors and evolutionary conservation, supports a deleterious effect

Illumina Laboratory Services, Illumina
Classification: Uncertain significance for Hypomyelination and Congenital Cataract. Last evaluated: 2018-01-13. Review status: criteria provided, single submitter. Criteria: ICSL Variant Classification Criteria 13 December 2019. Collection method: clinical testing. Allele origin: germline.

PreventionGenetics, part of Exact Sciences
Classification: Uncertain significance for HYCC1-related condition. Last evaluated: 2024-06-06. Review status: no assertion criteria provided. Collection method: clinical testing. Allele origin: germline. Not counted in ClinVar's aggregate classification.
Comment: The HYCC1 c.766G>C variant is predicted to result in the amino acid substitution p.Ala256Pro. To our knowledge, this variant has not been reported in the literature. This variant is reported in 0.15% of alleles in individuals of European (Non-Finnish) descent in gnomAD, which is likely too frequent for an unreported disease-causing variant. Although we suspect that this variant may be benign, at this time, the clinical significance of this variant is uncertain due to the absence of conclusive functional and genetic evidence.

Department of Pathology and Laboratory Medicine, Sinai Health System
Classification: Uncertain significance. Review status: no assertion criteria provided. Collection method: clinical testing. Allele origin: unknown. Affected: yes. Study: The Canadian Open Genetics Repository (COGR). Not counted in ClinVar's aggregate classification.
Comment: The FAM126A p.Ala256Pro variant was not identified in the literature but was identified in dbSNP (ID: rs142984808) and ClinVar (classified as uncertain significance by Illumina for Hypomyelination and Congenital Cataract). The variant was identified in control databases in 202 of 282202 chromosomes at a frequency of 0.0007158 increasing the likelihood this could be a low frequency benign variant (Genome Aggregation Database March 6, 2019, v2.1.1). The variant was observed in the following populations: European (non-Finnish) in 190 of 128932 chromosomes (freq: 0.001474), Other in 3 of 7202 chromosomes (freq: 0.000417), Latino in 6 of 35358 chromosomes (freq: 0.00017), European (Finnish) in 2 of 25086 chromosomes (freq: 0.00008) and African in 1 of 24912 chromosomes (freq: 0.00004), but was not observed in the Ashkenazi Jewish, East Asian, or South Asian populations. The p.Ala256 residue is conserved in mammals but not in more distantly related organisms, and four out of five computational analyses (PolyPhen-2, SIFT, AlignGVGD, BLOSUM, MutationTaster) suggest that the variant may impact the protein; however, this information is not predictive enough to assume pathogenicity. The variant occurs outside of the splicing consensus sequence and in silico or computational prediction software programs (SpliceSiteFinder, MaxEntScan, NNSPLICE, GeneSplicer) do not predict a difference in splicing. In summary, based on the above information the clinical significance of this variant cannot be determined with certainty at this time. This variant is classified as a variant of uncertain significance.